The following is an entry in ClinVar:

ClinVar aggregate classification (germline): Uncertain significance (1 of 4 stars; one submission).

Conditions:
Familial sleep-related hypermotor epilepsy. Also called: Autosomal Dominant Sleep-Related Hypermotor (Hyperkinetic) Epilepsy. Identifiers: Orphanet 98784, MedGen C3696898, MONDO:0000030.

gnomAD v4.1: 1 of 1,614,180 alleles (0.000062%); highest among the groups gnomAD compares: Non-Finnish European, 0.000085%; no homozygotes.

Submission:

Labcorp Genetics (formerly Invitae), Labcorp
Classification: Uncertain significance. Last evaluated: 2023-11-17. Review status: criteria provided, single submitter. Criteria: Invitae Variant Classification Sherloc (09022015). Collection method: clinical testing. Allele origin: germline.
Comment: This sequence change replaces threonine, which is neutral and polar, with isoleucine, which is neutral and non-polar, at codon 346 of the CHRNA2 protein (p.Thr346Ile). This variant is not present in population databases (gnomAD no frequency). This variant has not been reported in the literature in individuals affected with CHRNA2-related conditions. This missense change has been observed in at least one individual who was not affected with CHRNA2-related conditions (Invitae). Advanced modeling of protein sequence and biophysical properties (such as structural, functional, and spatial information, amino acid conservation, physicochemical variation, residue mobility, and thermodynamic stability) performed at Invitae indicates that this missense variant is expected to disrupt CHRNA2 protein function with a positive predictive value of 80%. In summary, the available evidence is currently insufficient to determine the role of this variant in disease. Therefore, it has been classified as a Variant of Uncertain Significance.

NM_000742.4(CHRNA2):c.1037C>T (p.Thr346Ile)

Gene: CHRNA2 (cholinergic receptor nicotinic alpha 2 subunit; minus strand). Cytogenetic location: 8p21.2.
Variant type: single nucleotide variant.
Coding change: c.1037C>T on transcript NM_000742.4 (MANE Select); coding-DNA position 1037, C replaced by T.
Protein change: p.Thr346Ile; replaces threonine 346 with isoleucine.
Molecular consequence: missense variant.
Genome position (GRCh38, 1-based): chr8:27,463,406, G>A on the plus strand (C>T on the coding strand, the complement: CHRNA2 is on the minus strand). VCF-style: chr8-27463406-G-A. GRCh37 (hg19) VCF-style: chr8-27320923-G-A.
Other names: c.992C>T, p.Thr331Ile (NM_001282455.2); c.560C>T, p.Thr187Ile (NM_001347705.2, NM_001347706.2); c.443C>T, p.Thr148Ile (NM_001347707.2, NM_001347708.2); short protein forms T148I, T346I, T331I, T187I.
Identifiers: ClinVar variation 2741541 (VCV002741541.3), dbSNP rs767656036, ClinGen allele CA370809704.
Genomic context (GRCh38, chr8:27,463,406, plus strand): 5'-ACCCAGTGGGGCATGGTGTGGGTGCTGGGGGAGCGGTGGTGCACATTGAGCACGAAGACG[G>A]TGATGACGATGGACAGGGTGACGAAGATCATGGTGAACAGCAGGTACTCGCCGATGAGCG-3'
Protein context (NP_000733.2, residues 336-356): MIFVTLSIVI[Thr346Ile]VFVLNVHHRS